The following is an entry in ClinVar:

NM_020771.4(HACE1):c.-25_-5dup

Genes: HACE1 (HECT domain and ankyrin repeat containing E3 ubiquitin protein ligase 1; minus strand), LOC113121301 (Sharpr-MPRA regulatory region 9880; plus strand). Cytogenetic location: 6q16.3.
Variant type: Duplication.
Coding change: c.-25_-5dup on transcript NM_020771.4 (MANE Select); 25 bases upstream of the start codon through 5 bases upstream of the start codon, 21 bases duplicated (CGCGGAGGGCGCGCCGAGGAT).
Molecular consequence: inframe insertion, initiator codon variant. On other transcripts: 5 prime UTR variant (6), non-coding transcript variant (7).
Genome position (GRCh38, 1-based): chr6:104,859,641-104,859,661, ATCCTCGGCGCGCCCTCCGCG duplicated on the plus strand (CGCGGAGGGCGCGCCGAGGAT on the coding strand, the reverse complement: HACE1 is on the minus strand); duplicating any 21 consecutive bases within chr6:104,859,641-104,859,667 gives the same sequence; the c. name uses the placement nearest the transcript's 3' end. VCF-style (leftmost placement, unchanged base first): chr6-104859640-C-CATCCTCGGCGCGCCCTCCGCG. GRCh37 (hg19) VCF-style: chr6-105307515-C-CATCCTCGGCGCGCCCTCCGCG.
Other names: c.-25_-5dup (NM_001321080.2, NM_001350555.2); c.-179_-159dup (NM_001350554.2); c.-429_-409dup (NM_001350556.2); c.-364_-344dup (NM_001350557.2); c.-440_-420dup (NM_001350558.2); c.-386_-366dup (NM_001350559.2); c.-594_-574dup (NM_001350560.2); c.-19_2dup21 (NM_020771.3, NM_020771.4).
Identifiers: ClinVar variation 1445062 (VCV001445062.12), dbSNP rs1231557307, ClinGen allele CA569114264.

ClinVar aggregate classification (germline): Uncertain significance. Review status: criteria provided, multiple submitters, no conflicts (2 of 4 stars). 4 submissions from 4 submitters: Uncertain significance (3). 1 of the submissions does not count toward it. Last evaluated 2026-01-12.

Conditions:
HACE1-related disorder. Also called: HACE1-related condition.
Inborn genetic diseases. Identifiers: MedGen C0950123, MeSH D030342.

Submissions (4):

Labcorp Genetics (formerly Invitae), Labcorp
Classification: Uncertain significance. Last evaluated: 2026-01-12. Review status: criteria provided, single submitter. Criteria: Invitae Variant Classification Sherloc (09022015). Collection method: clinical testing. Allele origin: germline.
Comment: This sequence change affects the initiator codon of the HACE1 mRNA. This change may impact translation initiation or efficiency. The next in-frame methionine is located at codon 5. This variant is present in population databases (no rsID available, gnomAD 0.02%). This variant has not been reported in the literature in individuals affected with HACE1-related conditions. ClinVar contains an entry for this variant (Variation ID: 1445062). In summary, the available evidence is currently insufficient to determine the role of this variant in disease. Therefore, it has been classified as a Variant of Uncertain Significance.

Women's Health and Genetics/Laboratory Corporation of America, LabCorp
Classification: Uncertain significance. Last evaluated: 2025-05-05. Review status: criteria provided, single submitter. Criteria: LabCorp Variant Classification Summary - May 2015. Collection method: clinical testing. Allele origin: germline.
Comment: Variant summary: HACE1 c.-19_2dup21 (aka c.-25_-5dup21) is located in the untranslated mRNA region upstream of the initiation codon. Consensus agreement among computation tools predicts no significant impact on normal splicing. However, these predictions have yet to be confirmed by functional studies. The variant allele was found at a frequency of 0.00011 in 1525820 control chromosomes, predominantly at a frequency of 0.00015 within the Non-Finnish European subpopulation in the gnomAD database (v4.1 dataset). This frequency is not significantly higher than estimated for a pathogenic variant in HACE1 causing Spastic Paraplegia-Severe Developmental Delay-Epilepsy Syndrome, allowing no conclusion about variant significance. To our knowledge, no occurrence of c.-19_2dup21 in individuals affected with Spastic Paraplegia-Severe Developmental Delay-Epilepsy Syndrome and no experimental evidence demonstrating its impact on protein function have been reported. ClinVar contains an entry for this variant (Variation ID: 1445062). Based on the evidence outlined above, the variant was classified as uncertain significance.

Ambry Genetics
Classification: Uncertain significance for Inborn genetic diseases. Last evaluated: 2022-10-19. Review status: criteria provided, single submitter. Criteria: Ambry Variant Classification Scheme 2023. Collection method: clinical testing. Allele origin: germline.
Comment: The c.-19_2dupCGCGGAGGGCGCGCCGAGGAT alteration is located in the 5' untranslated region (5'UTR) of the HACE1 gene. This alteration consists of a duplication of 21 nucleotides upstream from the first translated codon. Based on insufficient or conflicting evidence, the clinical significance of this alteration remains unclear.

PreventionGenetics, part of Exact Sciences
Classification: Likely benign for HACE1-related condition. Last evaluated: 2019-05-10. Review status: no assertion criteria provided. Collection method: clinical testing. Allele origin: germline. Not counted in ClinVar's aggregate classification.
Comment: This variant is classified as likely benign based on ACMG/AMP sequence variant interpretation guidelines (Richards et al. 2015 PMID: 25741868, with internal and published modifications).